The following is an entry in ClinVar:

NM_001376.5(DYNC1H1):c.2672A>G (p.His891Arg)

Gene: DYNC1H1 (dynein cytoplasmic 1 heavy chain 1; plus strand). Cytogenetic location: 14q32.31.
Variant type: single nucleotide variant.
Coding change: c.2672A>G on transcript NM_001376.5 (MANE Select); coding-DNA position 2672, A replaced by G.
Protein change: p.His891Arg; replaces histidine 891 with arginine.
Molecular consequence: missense variant.
Genome position (GRCh38, 1-based): chr14:101,987,586, A>G. VCF-style: chr14-101987586-A-G. GRCh37 (hg19) VCF-style: chr14-102453923-A-G.
Other names: short protein forms H891R.
Identifiers: ClinVar variation 312624 (VCV000312624.13), dbSNP rs774004189, ClinGen allele CA7351859.

ClinVar aggregate classification (germline): Conflicting classifications of pathogenicity. Review status: criteria provided, conflicting classifications (1 of 4 stars). 5 submissions from 4 submitters: Uncertain significance (4); Likely benign (1). Last evaluated 2025-04-02.

Conditions:
Charcot-Marie-Tooth disease axonal type 2O. Also called: Charcot-Marie-Tooth Neuropathy Type 2O; CHARCOT-MARIE-TOOTH NEUROPATHY, AXONAL, TYPE 2O; CHARCOT-MARIE-TOOTH DISEASE, AXONAL, AUTOSOMAL DOMINANT, TYPE 2O; Charcot-Marie-Tooth disease, axonal, type 20. Identifiers: Orphanet 284232, MedGen C3280220, MONDO:0013644, OMIM 614228.
DYNC1H1-related disorder. Also called: DYNC1H1-related disorders; DYNC1H1-related condition. Identifiers: MedGen CN381529.
Autosomal dominant cerebellar ataxia. Also called: Spinocerebellar Ataxia, Dominant. Identifiers: Orphanet 99, MedGen C4087347, MONDO:0020380.
Inborn genetic diseases. Identifiers: MedGen C0950123, MeSH D030342.

Allele frequency attached by ClinVar (database versions not stated): gnomAD exomes 0.00001 and 0.00002; ExAC 0.00002; gnomAD 0.00003; TOPMed 0.00003.
gnomAD v4.1: 20 of 1,613,978 alleles (0.0012%); highest among the groups gnomAD compares: African/African-American, 0.0027%; no homozygotes.

Submissions (5):

Ambry Genetics
Classification: Uncertain significance for Inborn genetic diseases. Last evaluated: 2025-04-02. Review status: criteria provided, single submitter. Criteria: Ambry Variant Classification Scheme 2023. Collection method: clinical testing. Allele origin: germline.

Labcorp Genetics (formerly Invitae), Labcorp
Classification: Likely benign for Charcot-Marie-Tooth disease axonal type 2O. Last evaluated: 2025-01-26. Review status: criteria provided, single submitter. Criteria: Invitae Variant Classification Sherloc (09022015). Collection method: clinical testing. Allele origin: germline.

PreventionGenetics, part of Exact Sciences
Classification: Uncertain significance for DYNC1H1-related condition. Last evaluated: 2025-01-09. Review status: criteria provided, single submitter. Criteria: ACMG Guidelines, 2015. Collection method: clinical testing. Allele origin: germline.
Comment: The DYNC1H1 c.2672A>G variant is predicted to result in the amino acid substitution p.His891Arg. To our knowledge, this variant has not been reported in the literature. This variant is reported in 0.0046% of alleles in individuals of European (Non-Finnish) descent in gnomAD. At this time, the clinical significance of this variant is uncertain due to the absence of conclusive functional and genetic evidence.

Illumina Laboratory Services, Illumina
Classification: Uncertain significance for Spinocerebellar Ataxia, Dominant. Last evaluated: 2018-01-13. Review status: criteria provided, single submitter. Criteria: ICSL Variant Classification Criteria 13 December 2019. Collection method: clinical testing. Allele origin: germline.

Illumina Laboratory Services, Illumina
Classification: Uncertain significance for Charcot-Marie-Tooth disease axonal type 2O. Last evaluated: 2018-01-13. Review status: criteria provided, single submitter. Criteria: ICSL Variant Classification Criteria 13 December 2019. Collection method: clinical testing. Allele origin: germline.